The following is an entry in ClinVar:

ClinVar aggregate classification (germline): Uncertain significance (1 of 4 stars; one submission).

Submission:

Labcorp Genetics (formerly Invitae), Labcorp
Classification: Uncertain significance. Last evaluated: 2023-08-30. Review status: criteria provided, single submitter. Criteria: Invitae Variant Classification Sherloc (09022015). Collection method: clinical testing. Allele origin: germline.
Comment: Algorithms developed to predict the effect of missense changes on protein structure and function output the following: SIFT: "Not Available"; PolyPhen-2: "Benign"; Align-GVGD: "Not Available". The histidine amino acid residue is found in multiple mammalian species, which suggests that this missense change does not adversely affect protein function. In summary, the available evidence is currently insufficient to determine the role of this variant in disease. Therefore, it has been classified as a Variant of Uncertain Significance. This variant has not been reported in the literature in individuals affected with ENPP1-related conditions. This sequence change replaces arginine, which is basic and polar, with histidine, which is basic and polar, at codon 33 of the ENPP1 protein (p.Arg33His). This variant is not present in population databases (gnomAD no frequency).

NM_006208.3(ENPP1):c.98G>A (p.Arg33His)

Gene: ENPP1 (ectonucleotide pyrophosphatase/phosphodiesterase 1; plus strand). Cytogenetic location: 6q23.2.
Variant type: single nucleotide variant.
Coding change: c.98G>A on transcript NM_006208.3 (MANE Select); coding-DNA position 98, G replaced by A.
Protein change: p.Arg33His; replaces arginine 33 with histidine.
Molecular consequence: missense variant.
Genome position (GRCh38, 1-based): chr6:131,808,133, G>A. VCF-style: chr6-131808133-G-A. GRCh37 (hg19) VCF-style: chr6-132129273-G-A.
Other names: short protein forms R33H.
Identifiers: ClinVar variation 2756671 (VCV002756671.3), dbSNP rs2483385410, ClinGen allele CA365661671.